The following is an entry in ClinVar:

NM_032634.4(PIGO):c.737C>T (p.Pro246Leu)

Gene: PIGO (phosphatidylinositol glycan anchor biosynthesis class O; minus strand). Cytogenetic location: 9p13.3.
Variant type: single nucleotide variant.
Coding change: c.737C>T on transcript NM_032634.4 (MANE Select); coding-DNA position 737, C replaced by T.
Protein change: p.Pro246Leu; replaces proline 246 with leucine.
Molecular consequence: missense variant.
Genome position (GRCh38, 1-based): chr9:35,093,943, G>A on the plus strand (C>T on the coding strand, the complement: PIGO is on the minus strand). VCF-style: chr9-35093943-G-A. GRCh37 (hg19) VCF-style: chr9-35093940-G-A.
Other names: c.737C>T, p.Pro246Leu (NM_001201484.2, NM_152850.4); c.737C>T (NM_032634.3); short protein forms P246L.
Identifiers: ClinVar variation 1927632 (VCV001927632.3), dbSNP rs746364157, ClinGen allele CA373323609.

ClinVar aggregate classification (germline): Uncertain significance. Review status: criteria provided, multiple submitters, no conflicts (2 of 4 stars). 2 submissions from 2 submitters: Uncertain significance (2). Last evaluated 2025-04-24.

Conditions:
Inborn genetic diseases. Identifiers: MedGen C0950123, MeSH D030342.
Hyperphosphatasia with impaired intellectual development syndrome 2. Also called: Hyperphosphatasia with intellectual disability syndrome 2; GLYCOSYLPHOSPHATIDYLINOSITOL BIOSYNTHESIS DEFECT 6. Identifiers: Orphanet 247262, MedGen C3553637, MONDO:0013882, OMIM 614749.

Allele frequency attached by ClinVar (database versions not stated): TOPMed below 0.00001; gnomAD 0.00001; gnomAD exomes 0.00001.
gnomAD v4.1: 10 of 1,614,016 alleles (0.00062%); highest among the groups gnomAD compares: African/African-American, 0.0013%; no homozygotes.

Submissions (2):

Ambry Genetics
Classification: Uncertain significance for Inborn genetic diseases. Last evaluated: 2025-04-24. Review status: criteria provided, single submitter. Criteria: Ambry Variant Classification Scheme 2023. Collection method: clinical testing. Allele origin: germline.

Labcorp Genetics (formerly Invitae), Labcorp
Classification: Uncertain significance for Hyperphosphatasia with impaired intellectual development syndrome 2. Last evaluated: 2022-05-02. Review status: criteria provided, single submitter. Criteria: Invitae Variant Classification Sherloc (09022015). Collection method: clinical testing. Allele origin: germline.
Comment: This sequence change replaces proline, which is neutral and non-polar, with leucine, which is neutral and non-polar, at codon 246 of the PIGO protein (p.Pro246Leu). This variant is present in population databases (no rsID available, gnomAD 0.002%). This variant has not been reported in the literature in individuals affected with PIGO-related conditions. Algorithms developed to predict the effect of missense changes on protein structure and function are either unavailable or do not agree on the potential impact of this missense change (SIFT: "Tolerated"; PolyPhen-2: "Probably Damaging"; Align-GVGD: "Class C0"). In summary, the available evidence is currently insufficient to determine the role of this variant in disease. Therefore, it has been classified as a Variant of Uncertain Significance.